The following is an entry in ClinVar:

NM_001009944.3(PKD1):c.10158C>G (p.Leu3386=)

Gene: PKD1 (polycystin 1, transient receptor potential channel interacting; minus strand). Cytogenetic location: 16p13.3.
Variant type: single nucleotide variant.
Coding change: c.10158C>G on transcript NM_001009944.3 (MANE Select); coding-DNA position 10158, C replaced by G.
Protein change: p.Leu3386=; no amino-acid change (leucine 3386 retained).
Molecular consequence: synonymous variant.
Genome position (GRCh38, 1-based): chr16:2,097,877, G>C on the plus strand (C>G on the coding strand, the complement: PKD1 is on the minus strand). VCF-style: chr16-2097877-G-C. GRCh37 (hg19) VCF-style: chr16-2147878-G-C.
Other names: c.10158C>G, p.Leu3386= (NM_000296.4).
Identifiers: ClinVar variation 4977923 (VCV004977923.1).
Genomic context (GRCh38, chr16:2,097,877, plus strand): 5'-CAAGGCGGCAGGACCCCCAGCCCAGCCCAGGACCCCCAGTAGAGTCCTCACCTCAGCGTG[G>C]AGGCCTGAGAACGTGAGGAAGGAGCTGTCCAGCACGGACGAGTCCAGGCAGCTGTCGATG-3'
Protein context (NP_001009944.3, residues 3376-3396): LDSSFLTFSG[Leu3386=]HAEQAFVGQM

ClinVar aggregate classification (germline): Likely benign (1 of 4 stars; one submission).

Conditions:
PKD1-related disorder. Also called: PKD1-related condition.

gnomAD v4.1: 14 of 1,604,504 alleles (0.00087%); highest among the groups gnomAD compares: African/African-American, 0.017%; no homozygotes.

Submission:

PreventionGenetics, part of Exact Sciences
Classification: Likely benign for PKD1-related condition. Last evaluated: 2025-12-30. Review status: criteria provided, single submitter. Criteria: ACMG Guidelines, 2015. Collection method: clinical testing. Allele origin: germline.
Comment: This variant is classified as likely benign based on ACMG/AMP sequence variant interpretation guidelines (Richards et al. 2015 PMID: 25741868, with internal and published modifications).